The following is an entry in ClinVar:

NM_032444.4(SLX4):c.2160+5G>A

Gene: SLX4 (SLX4 structure-specific endonuclease subunit; minus strand). Cytogenetic location: 16p13.3.
Variant type: single nucleotide variant.
Coding change: c.2160+5G>A on transcript NM_032444.4 (MANE Select); 5 bases into the intron after coding-DNA position 2160, G replaced by A.
Molecular consequence: intron variant.
Genome position (GRCh38, 1-based): chr16:3,594,448, C>T on the plus strand (G>A on the coding strand, the complement: SLX4 is on the minus strand). VCF-style: chr16-3594448-C-T. GRCh37 (hg19) VCF-style: chr16-3644449-C-T.
Identifiers: ClinVar variation 3703517 (VCV003703517.2).

ClinVar aggregate classification (germline): Uncertain significance (1 of 4 stars; one submission).

Conditions:
Fanconi anemia (FA). Also called: Fanconi's anemia. Identifiers: Orphanet 84, MedGen C0015625, MeSH D005199, MONDO:0019391.

Submission:

Labcorp Genetics (formerly Invitae), Labcorp
Classification: Uncertain significance for Fanconi anemia. Last evaluated: 2024-05-12. Review status: criteria provided, single submitter. Criteria: Invitae Variant Classification Sherloc (09022015). Collection method: clinical testing. Allele origin: germline.
Comment: This sequence change falls in intron 10 of the SLX4 gene. It does not directly change the encoded amino acid sequence of the SLX4 protein. It affects a nucleotide within the consensus splice site. This variant is not present in population databases (gnomAD no frequency). This variant has not been reported in the literature in individuals affected with SLX4-related conditions. Variants that disrupt the consensus splice site are a relatively common cause of aberrant splicing (PMID: 17576681, 9536098). Algorithms developed to predict the effect of sequence changes on RNA splicing suggest that this variant may disrupt the consensus splice site. In summary, the available evidence is currently insufficient to determine the role of this variant in disease. Therefore, it has been classified as a Variant of Uncertain Significance.

Literature cited by the submitters: PubMed 17576681; PubMed 9536098.